The following is an entry in ClinVar:

NM_001367561.1(DOCK7):c.2767-3T>C

Gene: DOCK7 (dedicator of cytokinesis 7; minus strand). Cytogenetic location: 1p31.3.
Variant type: single nucleotide variant.
Coding change: c.2767-3T>C on transcript NM_001367561.1 (MANE Select); 3 bases into the intron before coding-DNA position 2767, T replaced by C.
Molecular consequence: intron variant.
Genome position (GRCh38, 1-based): chr1:62,545,042, A>G on the plus strand (T>C on the coding strand, the complement: DOCK7 is on the minus strand). VCF-style: chr1-62545042-A-G. GRCh37 (hg19) VCF-style: chr1-63010713-A-G.
Other names: c.2767-1297T>C (NM_001272001.2, NM_001272000.2, NM_033407.4); c.2767-3T>C (NM_001271999.2, NM_001330614.2).
Identifiers: ClinVar variation 582750 (VCV000582750.9), dbSNP rs1435205930, ClinGen allele CA523543453.
Genomic context (GRCh38, chr1:62,545,042, plus strand): 5'-CCCATGGGGCAGCTTTTGGACCACCAGTGTTAACCCAGGAATTGGAGCGATCTAAACCCT[A>G]AGCATATAATAGAAAGCAGTTTGAAAGGAAAGAAATATTACATGTTGCATGCTATAAATT-3'

ClinVar aggregate classification (germline): Uncertain significance (1 of 4 stars; one submission).

Conditions:
Developmental and epileptic encephalopathy, 23 (DEE23). Also called: Epileptic encephalopathy, early infantile, 23. Identifiers: Orphanet 411986, MedGen C4014492, MONDO:0014371, OMIM 615859.

Allele frequency attached by ClinVar (database versions not stated): TOPMed 0.00002; gnomAD exomes 0.00002 and 0.00003.

Submission:

Labcorp Genetics (formerly Invitae), Labcorp
Classification: Uncertain significance for Developmental and epileptic encephalopathy, 23. Last evaluated: 2026-01-19. Review status: criteria provided, single submitter. Criteria: Invitae Variant Classification Sherloc (09022015). Collection method: clinical testing. Allele origin: germline.
Comment: This sequence change falls in intron 22 of the DOCK7 gene. It does not directly change the encoded amino acid sequence of the DOCK7 protein. It affects a nucleotide within the consensus splice site. This variant is present in population databases (no rsID available, gnomAD 0.02%). This variant has not been reported in the literature in individuals affected with DOCK7-related conditions. ClinVar contains an entry for this variant (Variation ID: 582750). Variants that disrupt the consensus splice site are a relatively common cause of aberrant splicing (PMID: 17576681, 9536098). Algorithms developed to predict the effect of sequence changes on RNA splicing suggest that this variant is not likely to affect RNA splicing. In summary, the available evidence is currently insufficient to determine the role of this variant in disease. Therefore, it has been classified as a Variant of Uncertain Significance.

Literature cited by the submitters: PubMed 17576681; PubMed 9536098.